The following is an entry in ClinVar:

ClinVar aggregate classification (germline): Pathogenic (1 of 4 stars; one submission).

Submission:

Labcorp Genetics (formerly Invitae), Labcorp
Classification: Pathogenic. Last evaluated: 2024-10-13. Review status: criteria provided, single submitter. Criteria: Invitae Variant Classification Sherloc (09022015). Collection method: clinical testing. Allele origin: germline.
Comment: This sequence change creates a premature translational stop signal (p.Gln285*) in the SLC34A2 gene. It is expected to result in an absent or disrupted protein product. Loss-of-function variants in SLC34A2 are known to be pathogenic (PMID: 16960801). This variant is not present in population databases (gnomAD no frequency). This variant has not been reported in the literature in individuals affected with SLC34A2-related conditions. ClinVar contains an entry for this variant (Variation ID: 1370306). For these reasons, this variant has been classified as Pathogenic.

Literature cited by the submitters: PubMed 16960801.

NM_006424.3(SLC34A2):c.853C>T (p.Gln285Ter)

Gene: SLC34A2 (solute carrier family 34 member 2; plus strand). Cytogenetic location: 4p15.2.
Variant type: single nucleotide variant.
Coding change: c.853C>T on transcript NM_006424.3 (MANE Select); coding-DNA position 853, C replaced by T.
Protein change: p.Gln285Ter; replaces glutamine 285 with a stop codon.
Molecular consequence: nonsense.
Genome position (GRCh38, 1-based): chr4:25,670,759, C>T. VCF-style: chr4-25670759-C-T. GRCh37 (hg19) VCF-style: chr4-25672381-C-T.
Other names: c.850C>T, p.Gln284Ter (NM_001177998.2, NM_001177999.2); short protein forms Q285*, Q284*.
Identifiers: ClinVar variation 1370306 (VCV001370306.6), dbSNP rs2109057310, ClinGen allele CA356567386.
Genomic context (GRCh38, chr4:25,670,759, plus strand): 5'-GAGGATATGCTGATGGTTTCCTGTCTACTGTTTCCACAGCTGGATAAAAAAGTTATCAGC[C>T]AAATTGCAATGAACGATGAAAAAGCGAAAAACAAGAGTCTTGTCAAGATTTGGTGCAAAA-3'